The following is an entry in ClinVar:

NM_001039591.3(USP9X):c.4472T>C (p.Val1491Ala)

Gene: USP9X (ubiquitin specific peptidase 9 X-linked; plus strand). Cytogenetic location: Xp11.4.
Variant type: single nucleotide variant.
Coding change: c.4472T>C on transcript NM_001039591.3 (MANE Select); coding-DNA position 4472, T replaced by C.
Protein change: p.Val1491Ala; replaces valine 1491 with alanine.
Molecular consequence: missense variant.
Genome position (GRCh38, 1-based): chrX:41,198,619, T>C. VCF-style: chrX-41198619-T-C. GRCh37 (hg19) VCF-style: chrX-41057872-T-C.
Other names: c.4472T>C, p.Val1491Ala (NM_001039590.3); c.4487T>C, p.Val1496Ala (NM_001410748.1, NM_001410749.1, NM_001437534.1); short protein forms V1491A, V1496A.
Identifiers: ClinVar variation 4975530 (VCV004975530.1).

ClinVar aggregate classification (germline): Uncertain significance (1 of 4 stars; one submission).

gnomAD v4.1: 2 of 1,210,239 alleles (0.00017%); highest among the groups gnomAD compares: African/African-American, 0.0035%; no homozygotes.

Submission:

GeneDx
Classification: Uncertain significance. Last evaluated: 2026-02-05. Review status: criteria provided, single submitter. Criteria: GeneDx Variant Classification Process June 2021. Collection method: clinical testing. Allele origin: germline.
Comment: In silico analysis supports that this missense variant has a deleterious effect on protein structure/function; Has not been previously published as pathogenic or benign to our knowledge